The following is an entry in ClinVar:

ClinVar aggregate classification (germline): Uncertain significance (1 of 4 stars; one submission).

Conditions:
Neurofibromatosis, type 1 (NF1). Also called: Neurofibromatosis, type I; VON RECKLINGHAUSEN DISEASE; Peripheral type neurofibromatosis; NEUROFIBROMATOSIS, TYPE I, SOMATIC. Identifiers: Orphanet 636, MedGen C0027831, MONDO:0018975, OMIM 162200. Disease mechanism: loss of function.

Submission:

Labcorp Genetics (formerly Invitae), Labcorp
Classification: Uncertain significance for Neurofibromatosis, type 1. Last evaluated: 2025-10-21. Review status: criteria provided, single submitter. Criteria: Invitae Variant Classification Sherloc (09022015). Collection method: clinical testing. Allele origin: germline.
Comment: This sequence change replaces aspartic acid, which is acidic and polar, with glycine, which is neutral and non-polar, at codon 2453 of the NF1 protein (p.Asp2453Gly). This variant is not present in population databases (gnomAD no frequency). This variant has not been reported in the literature in individuals affected with NF1-related conditions. ClinVar contains an entry for this variant (Variation ID: 861892). Invitae Evidence Modeling of protein sequence and biophysical properties (such as structural, functional, and spatial information, amino acid conservation, physicochemical variation, residue mobility, and thermodynamic stability) indicates that this missense variant is not expected to disrupt NF1 protein function with a negative predictive value of 95%. In summary, the available evidence is currently insufficient to determine the role of this variant in disease. Therefore, it has been classified as a Variant of Uncertain Significance.

NM_001042492.3(NF1):c.7421A>G (p.Asp2474Gly)

Gene: NF1 (neurofibromin 1; plus strand). Cytogenetic location: 17q11.2.
Variant type: single nucleotide variant.
Coding change: c.7421A>G on transcript NM_001042492.3 (MANE Select); coding-DNA position 7421, A replaced by G.
Protein change: p.Asp2474Gly; replaces aspartic acid 2474 with glycine.
Molecular consequence: missense variant.
Genome position (GRCh38, 1-based): chr17:31,350,282, A>G. VCF-style: chr17-31350282-A-G. GRCh37 (hg19) VCF-style: chr17-29677300-A-G.
Other names: c.7358A>G, p.Asp2453Gly (NM_000267.4); short protein forms D2453G, D2474G.
Identifiers: ClinVar variation 861892 (VCV000861892.6), dbSNP rs2070107259, ClinGen allele CA399017155.